The following is an entry in ClinVar:

ClinVar aggregate classification (germline): Uncertain significance (1 of 4 stars; one submission).

Conditions:
Brugada syndrome 8 (BRGDA8). Identifiers: Orphanet 130, MedGen C2751083, MONDO:0013148, OMIM 613123.

Submission:

Labcorp Genetics (formerly Invitae), Labcorp
Classification: Uncertain significance for Brugada syndrome 8. Last evaluated: 2025-05-18. Review status: criteria provided, single submitter. Criteria: Invitae Variant Classification Sherloc (09022015). Collection method: clinical testing. Allele origin: germline.
Comment: This sequence change replaces glutamine, which is neutral and polar, with histidine, which is basic and polar, at codon 1148 of the HCN4 protein (p.Gln1148His). This variant is not present in population databases (gnomAD no frequency). This variant has not been reported in the literature in individuals affected with HCN4-related conditions. Invitae Evidence Modeling of protein sequence and biophysical properties (such as structural, functional, and spatial information, amino acid conservation, physicochemical variation, residue mobility, and thermodynamic stability) indicates that this missense variant is not expected to disrupt HCN4 protein function with a negative predictive value of 95%. In summary, the available evidence is currently insufficient to determine the role of this variant in disease. Therefore, it has been classified as a Variant of Uncertain Significance.

NM_005477.3(HCN4):c.3444G>T (p.Gln1148His)

Gene: HCN4 (hyperpolarization activated cyclic nucleotide gated potassium channel 4; minus strand). Cytogenetic location: 15q24.1.
Variant type: single nucleotide variant.
Coding change: c.3444G>T on transcript NM_005477.3 (MANE Select); coding-DNA position 3444, G replaced by T.
Protein change: p.Gln1148His; replaces glutamine 1148 with histidine.
Molecular consequence: missense variant.
Genome position (GRCh38, 1-based): chr15:73,322,649, C>A on the plus strand (G>T on the coding strand, the complement: HCN4 is on the minus strand). VCF-style: chr15-73322649-C-A. GRCh37 (hg19) VCF-style: chr15-73614990-C-A.
Other names: short protein forms Q1148H.
Identifiers: ClinVar variation 4754408 (VCV004754408.1).